The following is an entry in ClinVar:

NM_152268.4(PARS2):c.175C>T (p.Leu59=)

Gene: PARS2 (prolyl-tRNA synthetase 2, mitochondrial; minus strand). Cytogenetic location: 1p32.3.
Variant type: single nucleotide variant.
Coding change: c.175C>T on transcript NM_152268.4 (MANE Select); coding-DNA position 175, C replaced by T.
Protein change: p.Leu59=; no amino-acid change (leucine 59 retained).
Molecular consequence: synonymous variant.
Genome position (GRCh38, 1-based): chr1:54,758,987, G>A on the plus strand (C>T on the coding strand, the complement: PARS2 is on the minus strand). VCF-style: chr1-54758987-G-A. GRCh37 (hg19) VCF-style: chr1-55224660-G-A.
Identifiers: ClinVar variation 2638836 (VCV002638836.24), dbSNP rs1646138590, ClinGen allele CA418179461.

ClinVar aggregate classification (germline): Likely benign (1 of 4 stars; one submission).

Allele frequency attached by ClinVar (database versions not stated): TOPMed below 0.00001.

Submission:

CeGaT Center for Human Genetics Tuebingen
Classification: Likely benign. Last evaluated: 2023-01-01. Review status: criteria provided, single submitter. Criteria: CeGaT Center For Human Genetics Tuebingen Variant Classification Criteria Version 2. Collection method: clinical testing. Allele origin: germline. Affected: yes. Observed: 1 variant allele.
Comment: PARS2: PM2:Supporting, BP4, BP7